The following is an entry in ClinVar:

NM_004360.5(CDH1):c.1348T>A (p.Tyr450Asn)

Gene: CDH1 (cadherin 1; plus strand). Cytogenetic location: 16q22.1.
Variant type: single nucleotide variant.
Coding change: c.1348T>A on transcript NM_004360.5 (MANE Select); coding-DNA position 1348, T replaced by A.
Protein change: p.Tyr450Asn; replaces tyrosine 450 with asparagine.
Molecular consequence: missense variant. On other transcripts: 5 prime UTR variant (2).
Genome position (GRCh38, 1-based): chr16:68,815,542, T>A. VCF-style: chr16-68815542-T-A. GRCh37 (hg19) VCF-style: chr16-68849445-T-A.
Other names: c.1348T>A (LRG_301t1); c.1165T>A, p.Tyr389Asn (NM_001317184.2); c.-201T>A (NM_001317185.2); c.-472T>A (NM_001317186.2); short protein forms Y450N, Y389N.
Identifiers: ClinVar variation 185953 (VCV000185953.26), dbSNP rs750741214, ClinGen allele CA193480.
Genomic context (GRCh38, chr16:68,815,542, plus strand): 5'-TTTGTTTTTAACTTCATTGTTTCTGCTCTCTAGGGCTTGGATTTTGAGGCCAAGCAGCAG[T>A]ACATTCTACACGTAGCAGTGACGAATGTGGTACCTTTTGAGGTCTCTCTCACCACCTCCA-3'
Protein context (NP_004351.1, residues 440-460): KGLDFEAKQQ[Tyr450Asn]ILHVAVTNVV

ClinVar aggregate classification (germline): Conflicting classifications of pathogenicity. Review status: criteria provided, conflicting classifications (1 of 4 stars). 7 submissions from 7 submitters: Uncertain significance (6); Likely benign (1). Last evaluated 2025-07-28.

Conditions:
CDH1-related disorder. Also called: CDH1-related condition.
Hereditary cancer-predisposing syndrome. Also called: Neoplastic Syndromes, Hereditary; Tumor predisposition; Hereditary neoplastic syndrome; Hereditary Cancer Syndrome. Identifiers: Orphanet 140162, MedGen C0027672, MeSH D009386, MONDO:0015356.
Hereditary diffuse gastric adenocarcinoma (HDGC). Also called: DIFFUSE GASTRIC AND LOBULAR BREAST CANCER SYNDROME. Identifiers: Orphanet 26106, MedGen C1708349, MONDO:0007648, OMIM 137215.
Endometrial carcinoma. Also called: Endometrial carcinoma, somatic. Identifiers: MedGen C0476089, MONDO:0002447, OMIM 608089, HP:0012114.

Allele frequency attached by ClinVar (database versions not stated): ExAC 0.00001; gnomAD 0.00001; gnomAD exomes 0.00002; TOPMed 0.00002.
gnomAD v4.1: 29 of 1,614,124 alleles (0.0018%); highest among the groups gnomAD compares: Non-Finnish European, 0.0025%; no homozygotes.

Submissions (7):

PreventionGenetics, part of Exact Sciences
Classification: Uncertain significance for CDH1-related condition. Last evaluated: 2025-07-28. Review status: criteria provided, single submitter. Criteria: ACMG Guidelines, 2015. Collection method: clinical testing. Allele origin: germline.
Comment: The CDH1 c.1348T>A variant is predicted to result in the amino acid substitution p.Tyr450Asn. This variant has been reported with uncertain significance in a study of inherited colorectal carcinomas (Staninova-Stojovska et al. 2019. PubMed ID: 31942411). This variant is reported in 0.0044% of alleles in individuals of European (Non-Finnish) descent in gnomAD and has conflicting interpretations in ClinVar ranging from uncertain to likely benign (Variation ID: 185953). At this time, the clinical significance of this variant is uncertain due to the absence of conclusive functional and genetic evidence.

Labcorp Genetics (formerly Invitae), Labcorp
Classification: Uncertain significance for Hereditary diffuse gastric adenocarcinoma. Last evaluated: 2025-04-17. Review status: criteria provided, single submitter. Criteria: Invitae Variant Classification Sherloc (09022015). Collection method: clinical testing. Allele origin: germline.
Comment: This sequence change replaces tyrosine, which is neutral and polar, with asparagine, which is neutral and polar, at codon 450 of the CDH1 protein (p.Tyr450Asn). This variant is present in population databases (rs750741214, gnomAD 0.004%). This missense change has been observed in individual(s) with colorectal cancer (PMID: 31942411). ClinVar contains an entry for this variant (Variation ID: 185953). An algorithm developed to predict the effect of missense changes on protein structure and function (PolyPhen-2) suggests that this variant is likely to be disruptive. In summary, the available evidence is currently insufficient to determine the role of this variant in disease. Therefore, it has been classified as a Variant of Uncertain Significance.

GeneDx
Classification: Uncertain significance. Last evaluated: 2025-04-16. Review status: criteria provided, single submitter. Criteria: GeneDx Variant Classification Process June 2021. Collection method: clinical testing. Allele origin: germline. Affected: yes.
Comment: Not observed at significant frequency in large population cohorts (gnomAD); In silico analysis supports that this missense variant has a deleterious effect on protein structure/function; Observed in an individual with colorectal cancer (PMID: 31942411); This variant is associated with the following publications: (PMID: 32658311, 15235021, 22850631, 31942411)

Color Diagnostics, LLC DBA Color Health
Classification: Uncertain significance for Hereditary cancer-predisposing syndrome. Last evaluated: 2024-05-24. Review status: criteria provided, single submitter. Criteria: ACMG Guidelines, 2015. Collection method: clinical testing. Allele origin: germline.
Comment: This missense variant replaces tyrosine with asparagine at codon 450 of the CDH1 protein. To our knowledge, functional studies have not been reported for this variant. This variant has been reported in an individual affected with colorectal cancer in the literature (PMID: 31942411) and in one unaffected control individual (PMID: 32658311). This variant has been identified in 5/251470 chromosomes in the general population by the Genome Aggregation Database (gnomAD). The available evidence is insufficient to determine the role of this variant in disease conclusively. Therefore, this variant is classified as a Variant of Uncertain Significance.

Ambry Genetics
Classification: Likely benign for Hereditary cancer-predisposing syndrome. Last evaluated: 2024-01-10. Review status: criteria provided, single submitter. Criteria: Ambry Variant Classification Scheme 2023. Collection method: clinical testing. Allele origin: germline.

Department of Pathology and Laboratory Medicine, Sinai Health System
Classification: Uncertain significance for Endometrial carcinoma. Last evaluated: 2019-11-05. Review status: criteria provided, single submitter. Criteria: ACMG Guidelines, 2015. Collection method: clinical testing. Allele origin: germline. Affected: yes.

Women's Health and Genetics/Laboratory Corporation of America, LabCorp
Classification: Uncertain significance. Last evaluated: 2017-12-11. Review status: criteria provided, single submitter. Criteria: LabCorp Variant Classification Summary - May 2015. Collection method: clinical testing. Allele origin: germline.
Comment: Variant summary: The CDH1 c.1348T>A (p.Tyr450Asn) variant involves the alteration of a conserved nucleotide. 4/4 in silico tools predict a damaging outcome for this variant (SNPsandGO not captured due to low reliability index). This variant was found in 5/246248 control chromosomes, predominantly observed in the European (Non-Finnish) subpopulation at a frequency of 0.000045 (5/111698). This frequency is about 2 times the estimated maximal expected allele frequency of a pathogenic CDH1 variant (0.0000283), suggesting this is possibly a benign polymorphism found primarily in the populations of European (Non-Finnish) origin, although the allele count is small. In addition, multiple clinical diagnostic laboratories/reputable databases classified this variant as uncertain significance. The variant of interest has not, to our knowledge, been reported in affected individuals via publications; nor evaluated for functional impact by in vivo/vitro studies. Because of the absence of clinical information and the lack of functional studies, the variant is classified as a variant of uncertain significance (VUS) until additional information becomes available.

Literature cited by the submitters: PubMed 31942411 (cited by 3 submitters); PubMed 32658311 (cited by Color Diagnostics, LLC DBA Color Health and Ambry Genetics).